The following is an entry in ClinVar:

ClinVar aggregate classification (germline): Likely benign. Review status: criteria provided, multiple submitters, no conflicts (2 of 4 stars). 2 submissions from 2 submitters: Likely benign (2). Last evaluated 2024-12-10.

Conditions:
PCNT-related disorder. Also called: PCNT-related condition.

Allele frequency attached by ClinVar (database versions not stated): gnomAD exomes below 0.00001; TOPMed below 0.00001; gnomAD 0.00001.
gnomAD v4.1: 4 of 1,614,196 alleles (0.00025%); highest among the groups gnomAD compares: Admixed American, 0.0033%; no homozygotes.

Submissions (2):

PreventionGenetics, part of Exact Sciences
Classification: Likely benign for PCNT-related condition. Last evaluated: 2024-12-10. Review status: criteria provided, single submitter. Criteria: ACMG Guidelines, 2015. Collection method: clinical testing. Allele origin: germline.
Comment: This variant is classified as likely benign based on ACMG/AMP sequence variant interpretation guidelines (Richards et al. 2015 PMID: 25741868, with internal and published modifications).

Labcorp Genetics (formerly Invitae), Labcorp
Classification: Likely benign. Last evaluated: 2023-02-10. Review status: criteria provided, single submitter. Criteria: Invitae Variant Classification Sherloc (09022015). Collection method: clinical testing. Allele origin: germline.

NM_006031.6(PCNT):c.6225A>G (p.Glu2075=)

Gene: PCNT (pericentrin; plus strand). Cytogenetic location: 21q22.3.
Variant type: single nucleotide variant.
Coding change: c.6225A>G on transcript NM_006031.6 (MANE Select); coding-DNA position 6225, A replaced by G.
Protein change: p.Glu2075=; no amino-acid change (glutamic acid 2075 retained).
Molecular consequence: synonymous variant.
Genome position (GRCh38, 1-based): chr21:46,416,143, A>G. VCF-style: chr21-46416143-A-G. GRCh37 (hg19) VCF-style: chr21-47836057-A-G.
Other names: c.5871A>G, p.Glu1957= (NM_001315529.2); c.6225A>G (NM_006031.5).
Identifiers: ClinVar variation 2882028 (VCV002882028.4), dbSNP rs567415247, ClinGen allele CA321999897.